The following is an entry in ClinVar:

ClinVar aggregate classification (germline): Conflicting classifications of pathogenicity. Review status: criteria provided, conflicting classifications (1 of 4 stars). 5 submissions from 5 submitters: Uncertain significance (4); Likely benign (1). Last evaluated 2025-03-23.

Allele frequency attached by ClinVar (database versions not stated): gnomAD 0.00003; TOPMed 0.00008; 1000 Genomes Project 30x 0.00016; ExAC 0.00019; 1000 Genomes Project 0.00020; gnomAD exomes 0.00020.
gnomAD v4.1: 77 of 1,597,470 alleles (0.0048%); highest among the groups gnomAD compares: Admixed American, 0.1%; no homozygotes.

Submissions (5):

GeneDx
Classification: Uncertain significance. Last evaluated: 2025-03-23. Review status: criteria provided, single submitter. Criteria: GeneDx Variant Classification Process June 2021. Collection method: clinical testing. Allele origin: germline.
Comment: In silico analysis supports that this missense variant has a deleterious effect on protein structure/function; Has not been previously published as pathogenic or benign to our knowledge

Labcorp Genetics (formerly Invitae), Labcorp
Classification: Likely benign. Last evaluated: 2024-02-01. Review status: criteria provided, single submitter. Criteria: Invitae Variant Classification Sherloc (09022015). Collection method: clinical testing. Allele origin: germline.

Blueprint Genetics
Classification: Uncertain significance. Last evaluated: 2021-09-20. Review status: criteria provided, single submitter. Criteria: ACMG Guidelines, 2015. Collection method: clinical testing. Allele origin: germline.

Eurofins Ntd Llc (ga)
Classification: Uncertain significance. Last evaluated: 2016-09-19. Review status: criteria provided, single submitter. Criteria: EGL Classification Definitions 2015. Collection method: clinical testing. Allele origin: germline. Observed: 1 variant allele, 1 heterozygote.

Laboratory for Molecular Medicine, Mass General Brigham Personalized Medicine
Classification: Uncertain significance. Last evaluated: 2014-04-04. Review status: criteria provided, single submitter. Criteria: LMM Criteria. Collection method: clinical testing. Allele origin: germline. Observed: 4 variant alleles.
Comment: Variant classified as Uncertain Significance - Favor Benign. The Arg1641His vari ant in OTOF has been previously identified two Hispanic individuals with hearing loss and one affected sibling by our laboratory However, none of these individu als carried a second variant in the OTOF gene. In addition, the Arg1641His varia nt been identified in 0.8% (1/128) of Mexican chromosomes by the 1000Genomes pro ject (dbSNP rs200283244). Computational prediction tools and conservation analys es suggest that the Arg1641His variant may not impact the protein, though this i nformation is not predictive enough to rule out pathogenicity. Of note, two mamm als, walrus and panda, also carry a histidine (His) at this position. In summary , the clinical significance of this variant cannot be determined with certainty; however, based upon the absence of a second OTOF variant in affected individual s, its presence in the general population, and the lack of conservation at the A rg1641 position, we would lean towards a more likely benign role.

NM_194248.3(OTOF):c.4922G>A (p.Arg1641His)

Gene: OTOF (otoferlin; minus strand). Cytogenetic location: 2p23.3.
Variant type: single nucleotide variant.
Coding change: c.4922G>A on transcript NM_194248.3 (MANE Select); coding-DNA position 4922, G replaced by A.
Protein change: p.Arg1641His; replaces arginine 1641 with histidine.
Molecular consequence: missense variant.
Genome position (GRCh38, 1-based): chr2:26,464,907, C>T on the plus strand (G>A on the coding strand, the complement: OTOF is on the minus strand). VCF-style: chr2-26464907-C-T. GRCh37 (hg19) VCF-style: chr2-26687775-C-T.
Other names: c.4922G>A, p.Arg1641His (NM_001287489.2); c.2621G>A, p.Arg874His (NM_004802.4, NM_194323.3); c.2852G>A, p.Arg951His (NM_194322.3); short protein forms R1641H, R951H, R874H.
Identifiers: ClinVar variation 48244 (VCV000048244.17), dbSNP rs200283244, ClinGen allele CA142907.
Genomic context (GRCh38, chr2:26,464,907, plus strand): 5'-GCTGCATCCAGTGCCCCATTACCGTTCTCGTCCTCAATCTCAGAGGGCCCAGTGAAGACG[C>T]GGTTGGCCACCTTCACTCTCCCAGGGGGCCCAAAGTGGGGGCCGTCCACTTTGCCGTCTT-3'
Protein context (NP_919224.1, residues 1631-1651): GPPGRVKVAN[Arg1641His]VFTGPSEIED